The following is an entry in ClinVar:

ClinVar aggregate classification (germline): Likely benign. Review status: criteria provided, multiple submitters, no conflicts (2 of 4 stars). 7 submissions from 7 submitters: Likely benign (7). Last evaluated 2026-04-01.

Conditions:
Cardiovascular phenotype. Identifiers: MedGen CN230736.
Hypercholesterolemia, familial, 4 (FHCL4). Also called: HYPERCHOLESTEROLEMIA, AUTOSOMAL RECESSIVE, 1; HYPERCHOLESTEROLEMIA, AUTOSOMAL RECESSIVE, 2. Identifiers: Orphanet 391665, MedGen C1863512, MONDO:0011374, OMIM 603813.

Allele frequency attached by ClinVar (database versions not stated): ExAC 0.00003; gnomAD exomes 0.00004 and 0.00005; 1000 Genomes Project 30x 0.00016; 1000 Genomes Project 0.00020; TOPMed 0.00004.
gnomAD v4.1: 63 of 1,613,602 alleles (0.0039%); highest among the groups gnomAD compares: Middle Eastern, 0.17%; no homozygotes.

Submissions (7):

CeGaT Center for Human Genetics Tuebingen
Classification: Likely benign. Last evaluated: 2026-04-01. Review status: criteria provided, single submitter. Criteria: CeGaT Center For Human Genetics Tuebingen Variant Classification Criteria Version 2. Collection method: clinical testing. Allele origin: germline. Affected: yes. Observed: 1 variant allele.
Comment: LDLRAP1: BP4, BP7

Labcorp Genetics (formerly Invitae), Labcorp
Classification: Likely benign for Hypercholesterolemia, familial, 4. Last evaluated: 2026-01-28. Review status: criteria provided, single submitter. Criteria: Invitae Variant Classification Sherloc (09022015). Collection method: clinical testing. Allele origin: germline.

Women's Health and Genetics/Laboratory Corporation of America, LabCorp
Classification: Likely benign. Last evaluated: 2025-10-21. Review status: criteria provided, single submitter. Criteria: LabCorp Variant Classification Summary - May 2015. Collection method: clinical testing. Allele origin: germline.

Molecular Diagnostic Laboratory for Inherited Cardiovascular Disease, Montreal Heart Institute
Classification: Likely benign. Last evaluated: 2025-04-09. Review status: criteria provided, single submitter. Criteria: ACMG Guidelines, 2015. Collection method: clinical testing. Allele origin: germline. Affected: no.

GENinCode PLC
Classification: Likely benign for Hypercholesterolemia, familial, 4. Last evaluated: 2023-08-03. Review status: criteria provided, single submitter. Criteria: ACMG Guidelines, 2015. Collection method: clinical testing. Allele origin: germline.
Comment: This is a synonymous (silent) variant that is not predicted by SpliceAI to impact splicing. In addition, it occurs at a nucleotide that is not conserved. Therefore this variant has been classified as Likely Benign (BP4, BP7).

Ambry Genetics
Classification: Likely benign for Cardiovascular phenotype. Last evaluated: 2023-04-30. Review status: criteria provided, single submitter. Criteria: Ambry Variant Classification Scheme 2023. Collection method: clinical testing. Allele origin: germline.

Genome-Nilou Lab
Classification: Likely benign for Hypercholesterolemia, familial, 4. Last evaluated: 2023-04-11. Review status: criteria provided, single submitter. Criteria: ACMG Guidelines, 2015. Collection method: clinical testing. Allele origin: germline. Affected: no.

NM_015627.3(LDLRAP1):c.870C>T (p.Val290=)

Gene: LDLRAP1 (low density lipoprotein receptor adaptor protein 1; plus strand). Cytogenetic location: 1p36.11.
Variant type: single nucleotide variant.
Coding change: c.870C>T on transcript NM_015627.3 (MANE Select); coding-DNA position 870, C replaced by T.
Protein change: p.Val290=; no amino-acid change (valine 290 retained).
Molecular consequence: synonymous variant.
Genome position (GRCh38, 1-based): chr1:25,566,935, C>T. VCF-style: chr1-25566935-C-T. GRCh37 (hg19) VCF-style: chr1-25893426-C-T.
Identifiers: ClinVar variation 413841 (VCV000413841.19), dbSNP rs200433841, ClinGen allele CA695775.